The following is an entry in ClinVar:

ClinVar aggregate classification (germline): Uncertain significance (1 of 4 stars; one submission).

Conditions:
Hereditary cancer-predisposing syndrome. Also called: Tumor predisposition; Neoplastic Syndromes, Hereditary; Hereditary neoplastic syndrome; Hereditary Cancer Syndrome. Identifiers: Orphanet 140162, MedGen C0027672, MeSH D009386, MONDO:0015356.

Submission:

Ambry Genetics
Classification: Uncertain significance for Hereditary cancer-predisposing syndrome. Last evaluated: 2025-08-27. Review status: criteria provided, single submitter. Criteria: Ambry Variant Classification Scheme 2023. Collection method: clinical testing. Allele origin: germline.
Comment: The p.F533L variant (also known as c.1599T>G), located in coding exon 16 of the MUTYH gene, results from a T to G substitution at nucleotide position 1599. The phenylalanine at codon 533 is replaced by leucine, an amino acid with highly similar properties. This amino acid position is conserved. In addition, this alteration is predicted to be tolerated by in silico analysis. Based on the available evidence, the clinical significance of this variant remains unclear.

NM_001048174.2(MUTYH):c.1515T>G (p.Phe505Leu)

Gene: MUTYH (mutY DNA glycosylase; minus strand). Cytogenetic location: 1p34.1.
Variant type: single nucleotide variant.
Coding change: c.1515T>G on transcript NM_001048174.2 (MANE Select); coding-DNA position 1515, T replaced by G.
Protein change: p.Phe505Leu; replaces phenylalanine 505 with leucine.
Molecular consequence: missense variant. On other transcripts: non-coding transcript variant (7).
Genome position (GRCh38, 1-based): chr1:45,329,357, A>C on the plus strand (T>G on the coding strand, the complement: MUTYH is on the minus strand). VCF-style: chr1-45329357-A-C. GRCh37 (hg19) VCF-style: chr1-45795029-A-C.
Other names: c.1515T>G, p.Phe505Leu (NM_001048171.2, NM_001048173.2, NM_001293195.2 and 6 more transcripts); c.1518T>G, p.Phe506Leu (NM_001048172.2, NM_001407071.1, NM_001407086.1 and 1 more transcripts); c.1599T>G, p.Phe533Leu (NM_001128425.2); c.1560T>G, p.Phe520Leu (NM_001293190.2); c.1548T>G, p.Phe516Leu (NM_001293191.2, NM_001407069.1, NM_001407077.1); c.1239T>G, p.Phe413Leu (NM_001293192.2, NM_001293196.2, NM_001407091.1); c.1170T>G, p.Phe390Leu (NM_001350650.2, NM_001350651.2, NM_001407082.1); c.1431T>G, p.Phe477Leu (NM_001407075.1); and 5 more; short protein forms F477L, F491L, F530L, F413L, F492L, F505L, F506L, F520L.
Identifiers: ClinVar variation 4113423 (VCV004113423.1).